The following is an entry in ClinVar:

NM_000271.5(NPC1):c.3562G>C (p.Glu1188Gln)

Gene: NPC1 (NPC intracellular cholesterol transporter 1; minus strand). Cytogenetic location: 18q11.2.
Variant type: single nucleotide variant.
Coding change: c.3562G>C on transcript NM_000271.5 (MANE Select); coding-DNA position 3562, G replaced by C.
Protein change: p.Glu1188Gln; replaces glutamic acid 1188 with glutamine.
Molecular consequence: missense variant.
Genome position (GRCh38, 1-based): chr18:23,534,475, C>G on the plus strand (G>C on the coding strand, the complement: NPC1 is on the minus strand). VCF-style: chr18-23534475-C-G. GRCh37 (hg19) VCF-style: chr18-21114439-C-G.
Other names: short protein forms E1188Q.
Identifiers: ClinVar variation 2142504 (VCV002142504.1), dbSNP rs776701050, ClinGen allele CA401790922.

ClinVar aggregate classification (germline): Uncertain significance (1 of 4 stars; one submission).

Conditions:
Niemann-Pick disease, type C1. Also called: NEUROVISCERAL STORAGE DISEASE WITH VERTICAL SUPRANUCLEAR OPHTHALMOPLEGIA; NIEMANN-PICK DISEASE WITH CHOLESTEROL ESTERIFICATION BLOCK; NIEMANN-PICK DISEASE WITHOUT SPHINGOMYELINASE DEFICIENCY; NIEMANN-PICK DISEASE, CHRONIC NEURONOPATHIC FORM; NIEMANN-PICK DISEASE, VARIANT TYPE C1. Identifiers: Orphanet 646, MedGen C3179455, MONDO:0009757, OMIM 257220.

Submission:

Labcorp Genetics (formerly Invitae), Labcorp
Classification: Uncertain significance for Niemann-Pick disease, type C1. Last evaluated: 2022-04-28. Review status: criteria provided, single submitter. Criteria: Invitae Variant Classification Sherloc (09022015). Collection method: clinical testing. Allele origin: germline.
Comment: This sequence change replaces glutamic acid, which is acidic and polar, with glutamine, which is neutral and polar, at codon 1188 of the NPC1 protein (p.Glu1188Gln). This variant is present in population databases (no rsID available, gnomAD 0.002%). This variant has not been reported in the literature in individuals affected with NPC1-related conditions. Advanced modeling of protein sequence and biophysical properties (such as structural, functional, and spatial information, amino acid conservation, physicochemical variation, residue mobility, and thermodynamic stability) performed at Invitae indicates that this missense variant is not expected to disrupt NPC1 protein function. In summary, the available evidence is currently insufficient to determine the role of this variant in disease. Therefore, it has been classified as a Variant of Uncertain Significance.